The following is an entry in ClinVar:

NM_153610.5(CMYA5):c.12188C>T (p.Pro4063Leu)

Gene: CMYA5 (cardiomyopathy associated 5; plus strand). Cytogenetic location: 5q14.1.
Variant type: single nucleotide variant.
Coding change: c.12188C>T on transcript NM_153610.5 (MANE Select); coding-DNA position 12188, C replaced by T.
Protein change: p.Pro4063Leu; replaces proline 4063 with leucine.
Molecular consequence: missense variant.
Genome position (GRCh38, 1-based): chr5:79,799,594, C>T. VCF-style: chr5-79799594-C-T. GRCh37 (hg19) VCF-style: chr5-79095417-C-T.
Other names: short protein forms P4063L.
Identifiers: ClinVar variation 1232412 (VCV001232412.3), dbSNP rs10043986, ClinGen allele CA3323420.

ClinVar aggregate classification (germline): Benign (1 of 4 stars; one submission).

Allele frequency attached by ClinVar (database versions not stated): 1000 Genomes Project 30x 0.04560; 1000 Genomes Project 0.04673; TOPMed 0.07691; gnomAD 0.08140 and 0.08251; gnomAD exomes 0.08663 and 0.10851; ESP Exome Variant Server 0.09017; ExAC 0.09991.
gnomAD v4.1: 170,235 of 1,612,348 alleles (11%); highest among the groups gnomAD compares: Non-Finnish European, 12%; 10,004 homozygotes.

Submission:

GeneDx
Classification: Benign. Last evaluated: 2019-04-20. Review status: criteria provided, single submitter. Criteria: GeneDx Variant Classification Process June 2021. Collection method: clinical testing. Allele origin: germline. Affected: yes.
Comment: This variant is associated with the following publications: (PMID: 20838396, 30658136)